The following is an entry in ClinVar:

NM_001386135.1(AFF3):c.573G>A (p.Val191=)

Gene: AFF3 (ALF transcription elongation factor 3; minus strand). Cytogenetic location: 2q11.2.
Variant type: single nucleotide variant.
Coding change: c.573G>A on transcript NM_001386135.1 (MANE Select); coding-DNA position 573, G replaced by A.
Protein change: p.Val191=; no amino-acid change (valine 191 retained).
Molecular consequence: synonymous variant.
Genome position (GRCh38, 1-based): chr2:100,006,932, C>T on the plus strand (G>A on the coding strand, the complement: AFF3 is on the minus strand). VCF-style: chr2-100006932-C-T. GRCh37 (hg19) VCF-style: chr2-100623394-C-T.
Other names: c.648G>A, p.Val216= (NM_001025108.2); c.573G>A, p.Val191= (NM_002285.3).
Identifiers: ClinVar variation 3037215 (VCV003037215.3), dbSNP rs34235607, ClinGen allele CA1801467.

ClinVar aggregate classification (germline): Benign. Review status: criteria provided, single submitter (1 of 4 stars). 2 submissions from 2 submitters: Benign (1). 1 of the submissions does not count toward it. Last evaluated 2026-05-11.

Conditions:
AFF3-related disorder. Also called: AFF3-related condition.

Allele frequency attached by ClinVar (database versions not stated): gnomAD exomes 0.00231; ExAC 0.00799; gnomAD 0.02462; TOPMed 0.02796; 1000 Genomes Project 0.02855; 1000 Genomes Project 30x 0.02983; ESP Exome Variant Server 0.03045.
gnomAD v4.1: 7,245 of 1,614,146 alleles (0.45%); highest among the groups gnomAD compares: African/African-American, 8.8%; 320 homozygotes.

Submissions (2):

Women's Health and Genetics/Laboratory Corporation of America, LabCorp
Classification: Benign. Last evaluated: 2026-05-11. Review status: criteria provided, single submitter. Criteria: LabCorp Variant Classification Summary - May 2015. Collection method: clinical testing. Allele origin: germline.

PreventionGenetics, part of Exact Sciences
Classification: Benign for AFF3-related condition. Last evaluated: 2020-01-31. Review status: no assertion criteria provided. Collection method: clinical testing. Allele origin: germline. Not counted in ClinVar's aggregate classification.
Comment: This variant is classified as benign based on ACMG/AMP sequence variant interpretation guidelines (Richards et al. 2015 PMID: 25741868, with internal and published modifications).